The following is an entry in ClinVar:

NM_000642.3(AGL):c.3990A>C (p.Lys1330Asn)

Gene: AGL (amylo-alpha-1,6-glucosidase and 4-alpha-glucanotransferase; plus strand). Cytogenetic location: 1p21.2.
Variant type: single nucleotide variant.
Coding change: c.3990A>C on transcript NM_000642.3 (MANE Select); coding-DNA position 3990, A replaced by C.
Protein change: p.Lys1330Asn; replaces lysine 1330 with asparagine.
Molecular consequence: missense variant.
Genome position (GRCh38, 1-based): chr1:99,913,567, A>C. VCF-style: chr1-99913567-A-C. GRCh37 (hg19) VCF-style: chr1-100379123-A-C.
Other names: c.3990A>C, p.Lys1330Asn (NM_000028.3, NM_000643.3, NM_000644.3 and 1 more transcripts); c.3942A>C, p.Lys1314Asn (NM_000646.3); c.3969A>C, p.Lys1323Asn (NM_001425326.1); c.3789A>C, p.Lys1263Asn (NM_001425327.1); c.3786A>C, p.Lys1262Asn (NM_001425328.1); c.3651A>C, p.Lys1217Asn (NM_001425329.1); c.3612A>C, p.Lys1204Asn (NM_001425332.1); short protein forms K1314N, K1330N, K1204N, K1217N, K1262N, K1263N, K1323N.
Identifiers: ClinVar variation 939963 (VCV000939963.10), dbSNP rs1654904369, ClinGen allele CA341339539.

ClinVar aggregate classification (germline): Uncertain significance (1 of 4 stars; one submission).

Conditions:
Glycogen storage disease type III (GSD3). Also called: Cori disease; FORBES DISEASE. Identifiers: Orphanet 366, MedGen C0017922, MONDO:0009291, OMIM 232400.

Submission:

Labcorp Genetics (formerly Invitae), Labcorp
Classification: Uncertain significance for Glycogen storage disease type III. Last evaluated: 2019-10-17. Review status: criteria provided, single submitter. Criteria: Invitae Variant Classification Sherloc (09022015). Collection method: clinical testing. Allele origin: germline.
Comment: In summary, the available evidence is currently insufficient to determine the role of this variant in disease. Therefore, it has been classified as a Variant of Uncertain Significance. Algorithms developed to predict the effect of missense changes on protein structure and function are either unavailable or do not agree on the potential impact of this missense change (SIFT: "Tolerated"; PolyPhen-2: "Possibly Damaging"; Align-GVGD: "Class C0"). This sequence change replaces lysine with asparagine at codon 1330 of the AGL protein (p.Lys1330Asn). The lysine residue is moderately conserved and there is a moderate physicochemical difference between lysine and asparagine. This variant is not present in population databases (ExAC no frequency). This variant has not been reported in the literature in individuals with AGL-related conditions.